The following is an entry in ClinVar:

ClinVar aggregate classification (germline): Uncertain significance (1 of 4 stars; one submission).

Conditions:
Jeune thoracic dystrophy. Also called: Jeune syndrome; Infantile thoracic dystrophy; Thoracic pelvic phalangeal dystrophy; Jeune's syndrome; Chondroectodermal dysplasia-like syndrome; Short-rib thoracic dysplasia. Identifiers: Orphanet 474, MedGen C0265275, MONDO:0018770.

Submission:

Labcorp Genetics (formerly Invitae), Labcorp
Classification: Uncertain significance for Jeune thoracic dystrophy. Last evaluated: 2022-08-22. Review status: criteria provided, single submitter. Criteria: Invitae Variant Classification Sherloc (09022015). Collection method: clinical testing. Allele origin: germline.
Comment: In summary, the available evidence is currently insufficient to determine the role of this variant in disease. Therefore, it has been classified as a Variant of Uncertain Significance. Algorithms developed to predict the effect of missense changes on protein structure and function (SIFT, PolyPhen-2, Align-GVGD) all suggest that this variant is likely to be disruptive. ClinVar contains an entry for this variant (Variation ID: 1494659). This variant has not been reported in the literature in individuals affected with IFT80-related conditions. This variant is not present in population databases (gnomAD no frequency). This sequence change replaces cysteine, which is neutral and slightly polar, with phenylalanine, which is neutral and non-polar, at codon 255 of the IFT80 protein (p.Cys255Phe).

NM_020800.3(IFT80):c.764G>T (p.Cys255Phe)

Genes: TRIM59-IFT80 (TRIM59-IFT80 readthrough (NMD candidate); minus strand), IFT80 (intraflagellar transport 80; minus strand). Cytogenetic location: 3q25.33.
Variant type: single nucleotide variant.
Coding change: c.764G>T on transcript NM_020800.3 (MANE Select); coding-DNA position 764, G replaced by T.
Protein change: p.Cys255Phe; replaces cysteine 255 with phenylalanine.
Molecular consequence: missense variant. On other transcripts: non-coding transcript variant (3).
Genome position (GRCh38, 1-based): chr3:160,356,026, C>A on the plus strand (G>T on the coding strand, the complement: IFT80 is on the minus strand). VCF-style: chr3-160356026-C-A. GRCh37 (hg19) VCF-style: chr3-160073814-C-A.
Other names: c.353G>T, p.Cys118Phe (NM_001190241.2, NM_001190242.2); short protein forms C118F, C255F.
Identifiers: ClinVar variation 1494659 (VCV001494659.8), dbSNP rs1325257224, ClinGen allele CA355192703.
Genomic context (GRCh38, chr3:160,356,026, plus strand): 5'-CCACATTTATGACAGCACATCTGTGATTGCTCACCACTATAACTTACCCCAGTTTTATCA[C>A]ACAAGCGTAAAGTATGAAACGATCCAACAGCAAATAATTCTCCATCTGGAGCCCAGGCAA-3'
Protein context (NP_065851.1, residues 245-265): AVGSFHTLRL[Cys255Phe]DKTGWSYALE